The following is an entry in ClinVar:

ClinVar aggregate classification (germline): Likely pathogenic (1 of 4 stars; one submission).

Conditions:
Peters plus syndrome. Also called: KRAUSE-KIVLIN SYNDROME. Identifiers: Orphanet 709, MedGen C0796012, MONDO:0009856, OMIM 261540.

Allele frequency attached by ClinVar (database versions not stated): gnomAD exomes 0.00013; ExAC 0.00027; gnomAD 0.00043.
gnomAD v4.1: 253 of 1,587,776 alleles (0.016%); highest among the groups gnomAD compares: African/African-American, 0.0014%; no homozygotes.

Submission:

Labcorp Genetics (formerly Invitae), Labcorp
Classification: Likely pathogenic for Peters plus syndrome. Last evaluated: 2025-06-20. Review status: criteria provided, single submitter. Criteria: Invitae Variant Classification Sherloc (09022015). Collection method: clinical testing. Allele origin: germline.
Comment: This sequence change affects an acceptor splice site in intron 1 of the B3GLCT gene. It is expected to disrupt RNA splicing. Variants that disrupt the donor or acceptor splice site typically lead to a loss of protein function (PMID: 16199547), and loss-of-function variants in B3GLCT are known to be pathogenic (PMID: 18798333, 23889335). The frequency data for this variant in the population databases is considered unreliable, as metrics indicate poor data quality at this position in the gnomAD database. This variant has not been reported in the literature in individuals affected with B3GLCT-related conditions. ClinVar contains an entry for this variant (Variation ID: 2741660). Algorithms developed to predict the effect of sequence changes on RNA splicing suggest that this variant may disrupt the consensus splice site. In summary, the currently available evidence indicates that the variant is pathogenic, but additional data are needed to prove that conclusively. Therefore, this variant has been classified as Likely Pathogenic.

Literature cited by the submitters: PubMed 16199547; PubMed 18798333; PubMed 23889335.

NM_194318.4(B3GLCT):c.71-1G>T

Gene: B3GLCT (beta 3-glucosyltransferase; plus strand). Cytogenetic location: 13q12.3.
Variant type: single nucleotide variant.
Coding change: c.71-1G>T on transcript NM_194318.4 (MANE Select); the canonical splice acceptor site of the intron before coding-DNA position 71, G replaced by T.
Molecular consequence: splice acceptor variant.
Genome position (GRCh38, 1-based): chr13:31,215,050, G>T. VCF-style: chr13-31215050-G-T. GRCh37 (hg19) VCF-style: chr13-31789187-G-T.
Identifiers: ClinVar variation 2741660 (VCV002741660.3), dbSNP rs201584510, ClinGen allele CA6936428.
Genomic context (GRCh38, chr13:31,215,050, plus strand): 5'-TGAGAATTAACCTGAATTGCTAATTCTAAGGTAGAAATATTTCTTTTTTTTTTTTTTCCA[G>T]CTTTTGGTTTGGCTTCTGAAGATACAAAGAAAGAGGTCAAGCAGTCTCAGGTACTAATCC-3'